The following is an entry in ClinVar:

ClinVar aggregate classification (germline): Uncertain significance (1 of 4 stars; one submission).

Conditions:
Congenital myasthenic syndrome 10. Also called: Myasthenia, limb-girdle, familial. Identifiers: Orphanet 590, MedGen C1850792, MONDO:0009690, OMIM 254300.
Fetal akinesia deformation sequence 1 (FADS1). Also called: Pena-Shokeir syndrome type I; Fetal akinesia sequence. Identifiers: Orphanet 994, MedGen C1276035, MONDO:0100101, OMIM 208150, HP:0001989.

Submission:

Labcorp Genetics (formerly Invitae), Labcorp
Classification: Uncertain significance for Congenital myasthenic syndrome 10; Fetal akinesia deformation sequence 1. Last evaluated: 2022-02-06. Review status: criteria provided, single submitter. Criteria: Invitae Variant Classification Sherloc (09022015). Collection method: clinical testing. Allele origin: germline.
Comment: In summary, the available evidence is currently insufficient to determine the role of this variant in disease. Therefore, it has been classified as a Variant of Uncertain Significance. Variants that disrupt the consensus splice site are a relatively common cause of aberrant splicing (PMID: 17576681, 9536098). Algorithms developed to predict the effect of sequence changes on RNA splicing suggest that this variant may disrupt the consensus splice site. This variant has not been reported in the literature in individuals affected with DOK7-related conditions. This variant is not present in population databases (gnomAD no frequency). This sequence change falls in intron 4 of the DOK7 gene. It does not directly change the encoded amino acid sequence of the DOK7 protein. It affects a nucleotide within the consensus splice site.

Literature cited by the submitters: PubMed 17576681; PubMed 9536098.

NM_173660.5(DOK7):c.532+4A>C

Gene: DOK7 (docking protein 7; plus strand). Cytogenetic location: 4p16.3.
Variant type: single nucleotide variant.
Coding change: c.532+4A>C on transcript NM_173660.5 (MANE Select); 4 bases into the intron after coding-DNA position 532, A replaced by C.
Molecular consequence: intron variant.
Genome position (GRCh38, 1-based): chr4:3,476,546, A>C. VCF-style: chr4-3476546-A-C. GRCh37 (hg19) VCF-style: chr4-3478273-A-C.
Other names: c.532+4A>C (NM_001301071.2); c.101-8993A>C (NM_001363811.2); c.521+15A>C (NM_001164673.2).
Identifiers: ClinVar variation 2149114 (VCV002149114.4), dbSNP rs2475009534, ClinGen allele CA2580070722.